The following is an entry in ClinVar:

ClinVar aggregate classification (germline): Uncertain significance (1 of 4 stars; one submission).

Conditions:
SCN11A-related disorder. Also called: SCN11A-related condition.

gnomAD v4.1: 3 of 1,597,032 alleles (0.00019%); highest among the groups gnomAD compares: African/African-American, 0.0041%; no homozygotes.

Submission:

PreventionGenetics, part of Exact Sciences
Classification: Uncertain significance for SCN11A-related condition. Last evaluated: 2026-02-13. Review status: criteria provided, single submitter. Criteria: ACMG Guidelines, 2015. Collection method: clinical testing. Allele origin: germline.
Comment: The SCN11A c.277G>A variant is predicted to result in the amino acid substitution p.Val93Met. To our knowledge, this variant has not been reported in the literature or in a large population database (gnomAD), indicating this variant is rare. At this time, the clinical significance of this variant is uncertain due to the absence of conclusive functional and genetic evidence.

NM_001349253.2(SCN11A):c.277G>A (p.Val93Met)

Gene: SCN11A (sodium voltage-gated channel alpha subunit 11; minus strand). Cytogenetic location: 3p22.2.
Variant type: single nucleotide variant.
Coding change: c.277G>A on transcript NM_001349253.2 (MANE Select); coding-DNA position 277, G replaced by A.
Protein change: p.Val93Met; replaces valine 93 with methionine.
Molecular consequence: missense variant.
Genome position (GRCh38, 1-based): chr3:38,946,898, C>T on the plus strand (G>A on the coding strand, the complement: SCN11A is on the minus strand). VCF-style: chr3-38946898-C-T. GRCh37 (hg19) VCF-style: chr3-38988389-C-T.
Other names: c.277G>A, p.Val93Met (NM_014139.3); short protein forms V93M.
Identifiers: ClinVar variation 4986818 (VCV004986818.1).